The following is an entry in ClinVar:

ClinVar aggregate classification (germline): Benign (1 of 4 stars; one submission).

Conditions:
Exudative vitreoretinopathy 1 (EVR1). Also called: CRISWICK-SCHEPENS SYNDROME; FEVR, AUTOSOMAL DOMINANT; Familial exudative vitreoretinopathy, autosomal dominant. Identifiers: Orphanet 891, Orphanet 90050, MedGen C1851402, MONDO:0007589, OMIM 133780.

Allele frequency attached by ClinVar (database versions not stated): 1000 Genomes Project 30x 0.00359; 1000 Genomes Project 0.00379; TOPMed 0.00593; gnomAD 0.00603 and 0.00612.

Submission:

Illumina Laboratory Services, Illumina
Classification: Benign for Exudative vitreoretinopathy 1. Last evaluated: 2018-01-13. Review status: criteria provided, single submitter. Criteria: ICSL Variant Classification Criteria 13 December 2019. Collection method: clinical testing. Allele origin: germline.
Comment: This variant was observed in the ICSL laboratory as part of a predisposition screen in an ostensibly healthy population. It had not been previously curated by ICSL or reported in the Human Gene Mutation Database (HGMD: prior to June 1st, 2018), and was therefore a candidate for classification through an automated scoring system. Utilizing variant allele frequency, disease prevalence and penetrance estimates, and inheritance mode, an automated score was calculated to assess if this variant is too frequent to cause the disease. Based on the score and internal cut-off values, a variant classified as benign is not then subjected to further curation. The score for this variant resulted in a classification of benign for this disease.

NM_012193.4(FZD4):c.*4335T>C

Genes: FZD4 (frizzled class receptor 4; minus strand), PRSS23 (serine protease 23; plus strand). Cytogenetic location: 11q14.2.
Variant type: single nucleotide variant.
Coding change: c.*4335T>C on transcript NM_012193.4 (MANE Select); 4335 bases downstream of the stop codon, T replaced by C.
Molecular consequence: 3 prime UTR variant.
Genome position (GRCh38, 1-based): chr11:86,946,807, A>G on the plus strand (T>C on the coding strand, the complement: FZD4 is on the minus strand). VCF-style: chr11-86946807-A-G. GRCh37 (hg19) VCF-style: chr11-86657849-A-G.
Identifiers: ClinVar variation 306340 (VCV000306340.5), dbSNP rs141874425, ClinGen allele CA10639572.